The following is an entry in ClinVar:

NM_001083116.3(PRF1):c.34C>G (p.Leu12Val)

Gene: PRF1 (perforin 1; minus strand). Cytogenetic location: 10q22.1.
Variant type: single nucleotide variant.
Coding change: c.34C>G on transcript NM_001083116.3 (MANE Select); coding-DNA position 34, C replaced by G.
Protein change: p.Leu12Val; replaces leucine 12 with valine.
Molecular consequence: missense variant.
Genome position (GRCh38, 1-based): chr10:70,600,869, G>C on the plus strand (C>G on the coding strand, the complement: PRF1 is on the minus strand). VCF-style: chr10-70600869-G-C. GRCh37 (hg19) VCF-style: chr10-72360625-G-C.
Other names: c.34C>G, p.Leu12Val (NM_005041.6); short protein forms L12V.
Identifiers: ClinVar variation 3018066 (VCV003018066.3), dbSNP rs1422027702, ClinGen allele CA376960221.
Genomic context (GRCh38, chr10:70,600,869, plus strand): 5'-TGCACTCTGAGCGTGCGGCTGTGTGGCACGGGGCAGGGACGGGCAGGGGCAGCAGCAGGA[G>C]AAGGATGCCCAGGAGGAGCAGACGGGCTGCCATGGAGCTGCAGAGACAGGGGGCACTTGG-3'
Protein context (NP_001076585.1, residues 2-22): AARLLLLGIL[Leu12Val]LLLPLPVPAP

ClinVar aggregate classification (germline): Uncertain significance (1 of 4 stars; one submission).

Conditions:
Familial hemophagocytic lymphohistiocytosis 2 (FHL2). Also called: PRF1-Related Familial Hemophagocytic Lymphohistiocytosis (PRF1-fHLH). Identifiers: Orphanet 540, MedGen C1863727, MONDO:0011337, OMIM 603553.

Allele frequency attached by ClinVar (database versions not stated): gnomAD 0.00001; TOPMed 0.00001.
gnomAD v4.1: 2 of 1,605,468 alleles (0.00012%); highest among the groups gnomAD compares: Admixed American, 0.0017%; no homozygotes.

Submission:

Labcorp Genetics (formerly Invitae), Labcorp
Classification: Uncertain significance for Familial hemophagocytic lymphohistiocytosis 2. Last evaluated: 2023-12-23. Review status: criteria provided, single submitter. Criteria: Invitae Variant Classification Sherloc (09022015). Collection method: clinical testing. Allele origin: germline.
Comment: This sequence change replaces leucine, which is neutral and non-polar, with valine, which is neutral and non-polar, at codon 12 of the PRF1 protein (p.Leu12Val). This variant is not present in population databases (gnomAD no frequency). This variant has not been reported in the literature in individuals affected with PRF1-related conditions. Advanced modeling of protein sequence and biophysical properties (such as structural, functional, and spatial information, amino acid conservation, physicochemical variation, residue mobility, and thermodynamic stability) has been performed at Invitae for this missense variant, however the output from this modeling did not meet the statistical confidence thresholds required to predict the impact of this variant on PRF1 protein function. In summary, the available evidence is currently insufficient to determine the role of this variant in disease. Therefore, it has been classified as a Variant of Uncertain Significance.